The following is an entry in ClinVar:

NM_006509.4(RELB):c.1563C>T (p.Ala521=)

Gene: RELB (RELB proto-oncogene, NF-kB subunit; plus strand). Cytogenetic location: 19q13.32.
Variant type: single nucleotide variant.
Coding change: c.1563C>T on transcript NM_006509.4 (MANE Select); coding-DNA position 1563, C replaced by T.
Protein change: p.Ala521=; no amino-acid change (alanine 521 retained).
Molecular consequence: synonymous variant.
Genome position (GRCh38, 1-based): chr19:45,037,613, C>T. VCF-style: chr19-45037613-C-T. GRCh37 (hg19) VCF-style: chr19-45540871-C-T.
Other names: c.1563C>T (NM_006509.3).
Identifiers: ClinVar variation 1299841 (VCV001299841.35), dbSNP rs199742203, ClinGen allele CA9507905.

ClinVar aggregate classification (germline): Benign/Likely benign. Review status: criteria provided, multiple submitters, no conflicts (2 of 4 stars). 7 submissions from 7 submitters: Benign (1); Likely benign (3). 3 of the submissions do not count toward it. Last evaluated 2026-05-01.

Conditions:
RELB-related disorder. Also called: RELB-related condition.

Allele frequency attached by ClinVar (database versions not stated): 1000 Genomes Project 30x 0.00016; 1000 Genomes Project 0.00020; ESP Exome Variant Server 0.00101; TOPMed 0.00125; gnomAD 0.00145 and 0.00161; ExAC 0.00158.
gnomAD v4.1: 2,277 of 1,604,074 alleles (0.14%); highest among the groups gnomAD compares: Non-Finnish European, 0.17%; 9 homozygotes.

Submissions (7):

CeGaT Center for Human Genetics Tuebingen
Classification: Likely benign. Last evaluated: 2026-05-01. Review status: criteria provided, single submitter. Criteria: CeGaT Center For Human Genetics Tuebingen Variant Classification Criteria Version 2. Collection method: clinical testing. Allele origin: germline. Affected: yes. Observed: 9 variant alleles.
Comment: RELB: BP4, BP7

Women's Health and Genetics/Laboratory Corporation of America, LabCorp
Classification: Likely benign. Last evaluated: 2026-01-22. Review status: criteria provided, single submitter. Criteria: LabCorp Variant Classification Summary - May 2015. Collection method: clinical testing. Allele origin: germline.

Labcorp Genetics (formerly Invitae), Labcorp
Classification: Benign. Last evaluated: 2026-01-16. Review status: criteria provided, single submitter. Criteria: Invitae Variant Classification Sherloc (09022015). Collection method: clinical testing. Allele origin: germline.

Blueprint Genetics
Classification: Likely benign. Last evaluated: 2024-11-27. Review status: criteria provided, single submitter. Criteria: ACMG Guidelines, 2015. Collection method: clinical testing. Allele origin: germline.

PreventionGenetics, part of Exact Sciences
Classification: Likely benign for RELB-related condition. Last evaluated: 2019-06-11. Review status: no assertion criteria provided. Collection method: clinical testing. Allele origin: germline. Not counted in ClinVar's aggregate classification.
Comment: This variant is classified as likely benign based on ACMG/AMP sequence variant interpretation guidelines (Richards et al. 2015 PMID: 25741868, with internal and published modifications).

Clinical Genetics DNA and cytogenetics Diagnostics Lab, Erasmus MC, Erasmus Medical Center
Classification: Likely benign. Review status: no assertion criteria provided. Collection method: clinical testing. Allele origin: germline. Affected: yes. Study: VKGL Data-share Consensus. Not counted in ClinVar's aggregate classification.

Genome Diagnostics Laboratory, University Medical Center Utrecht
Classification: Likely benign. Review status: no assertion criteria provided. Collection method: clinical testing. Allele origin: germline. Affected: yes. Study: VKGL Data-share Consensus. Not counted in ClinVar's aggregate classification.